The following is an entry in ClinVar:

ClinVar aggregate classification (germline): Uncertain significance (1 of 4 stars; one submission).

Conditions:
Rhabdoid tumor predisposition syndrome 2 (RTPS2). Identifiers: Orphanet 231108, Orphanet 69077, MedGen C2750074, MONDO:0013224, OMIM 613325.

Submission:

Labcorp Genetics (formerly Invitae), Labcorp
Classification: Uncertain significance for Rhabdoid tumor predisposition syndrome 2. Last evaluated: 2018-08-07. Review status: criteria provided, single submitter. Criteria: Invitae Variant Classification Sherloc (09022015). Collection method: clinical testing. Allele origin: germline.
Comment: This variant has not been reported in the literature in individuals with SMARCA4-related disease. This variant is not present in population databases (ExAC no frequency). This sequence change falls in intron 3 of the SMARCA4 gene. It does not directly change the encoded amino acid sequence of the SMARCA4 protein, but it affects a nucleotide within the consensus splice site of the intron. Nucleotide substitutions within the consensus splice site are a relatively common cause of aberrant splicing (PMID: 17576681, 9536098). Algorithms developed to predict the effect of sequence changes on RNA splicing suggest that this variant may create or strengthen a splice site, but this prediction has not been confirmed by published transcriptional studies. In summary, the available evidence is currently insufficient to determine the role of this variant in disease. Therefore, it has been classified as a Variant of Uncertain Significance.

Literature cited by the submitters: PubMed 17576681; PubMed 9536098.

NM_003072.5(SMARCA4):c.356-3C>T

Gene: SMARCA4 (SWI/SNF related BAF chromatin remodeling complex subunit ATPase 4; plus strand). Cytogenetic location: 19p13.2.
Variant type: single nucleotide variant.
Coding change: c.356-3C>T on transcript NM_003072.5 (MANE Select); 3 bases into the intron before coding-DNA position 356, C replaced by T.
Molecular consequence: intron variant.
Genome position (GRCh38, 1-based): chr19:10,986,186, C>T. VCF-style: chr19-10986186-C-T. GRCh37 (hg19) VCF-style: chr19-11096862-C-T.
Other names: c.356-3C>T (NM_001128844.3, NM_001128849.3, NM_001128847.4 and 5 more transcripts).
Identifiers: ClinVar variation 641327 (VCV000641327.8), dbSNP rs1599948631, ClinGen allele CA915952560.